The following is an entry in ClinVar:

ClinVar aggregate classification (germline): Pathogenic. Review status: criteria provided, multiple submitters, no conflicts (2 of 4 stars). 2 submissions from 2 submitters: Pathogenic (2). Last evaluated 2025-01-20.

Conditions:
Ichthyosis prematurity syndrome (IPS). Also called: ICHTHYOSIS CONGENITA IV. Identifiers: Orphanet 88621, MedGen C1837610, MONDO:0012089, OMIM 608649.

Allele frequency attached by ClinVar (database versions not stated): gnomAD exomes 0.00002; TOPMed 0.00002; ExAC 0.00003; gnomAD 0.00003.

Submissions (2):

Labcorp Genetics (formerly Invitae), Labcorp
Classification: Pathogenic. Last evaluated: 2025-01-20. Review status: criteria provided, single submitter. Criteria: Invitae Variant Classification Sherloc (09022015). Collection method: clinical testing. Allele origin: germline.
Comment: This sequence change affects the initiator methionine of the SLC27A4 mRNA. The next in-frame methionine is located at codon 133. This variant is present in population databases (rs142366975, gnomAD 0.01%). Disruption of the initiator codon has been observed in individual(s) with ichthyosis prematurity syndrome (PMID: 21690550, 34720920). ClinVar contains an entry for this variant (Variation ID: 2735354). This variant disrupts a region of the SLC27A4 protein in which other variant(s) (p.Arg51His) have been observed in individuals with SLC27A4-related conditions (internal data). This suggests that this is a clinically significant region of the protein, and that variants that disrupt it are likely to be disease-causing. For these reasons, this variant has been classified as Pathogenic.

Fulgent Genetics
Classification: Pathogenic for Ichthyosis prematurity syndrome. Last evaluated: 2024-04-27. Review status: criteria provided, single submitter. Criteria: ACMG Guidelines, 2015. Collection method: clinical testing. Allele origin: germline.

Literature cited by the submitters: PubMed 21690550 (cited by Labcorp Genetics (formerly Invitae), Labcorp); PubMed 34720920 (cited by Labcorp Genetics (formerly Invitae), Labcorp).

NM_005094.4(SLC27A4):c.1A>G (p.Met1Val)

Gene: SLC27A4 (solute carrier family 27 member 4; plus strand). Cytogenetic location: 9q34.11.
Variant type: single nucleotide variant.
Coding change: c.1A>G on transcript NM_005094.4 (MANE Select); coding-DNA position 1, A replaced by G.
Protein change: p.Met1Val; changes the start codon (methionine 1).
Molecular consequence: missense variant, initiator codon variant.
Genome position (GRCh38, 1-based): chr9:128,343,133, A>G. VCF-style: chr9-128343133-A-G. GRCh37 (hg19) VCF-style: chr9-131105412-A-G.
Other names: short protein forms M1V.
Identifiers: ClinVar variation 2735354 (VCV002735354.4), dbSNP rs142366975, ClinGen allele CA5260804.